The following is an entry in ClinVar:

ClinVar aggregate classification (germline): Uncertain significance. Review status: criteria provided, multiple submitters, no conflicts (2 of 4 stars). 3 submissions from 3 submitters: Uncertain significance (3). Last evaluated 2025-07-29.

Conditions:
Pheochromocytoma. Also called: MAX-Related Hereditary Paraganglioma-Pheochromocytoma Syndrome. Identifiers: Orphanet 29072, MedGen C0031511, MONDO:0008233, OMIM 171300, HP:0002666.
Charcot-Marie-Tooth disease type 2. Also called: Charcot-Marie-Tooth type 2. Identifiers: Orphanet 64746, MedGen C0270914, MONDO:0018993.

Allele frequency attached by ClinVar (database versions not stated): gnomAD exomes below 0.00001; TOPMed below 0.00001; gnomAD 0.00001; ESP Exome Variant Server 0.00008.
gnomAD v4.1: 2 of 1,613,856 alleles (0.00012%); highest among the groups gnomAD compares: Non-Finnish European, 0.00017%; no homozygotes.

Submissions (3):

Labcorp Genetics (formerly Invitae), Labcorp
Classification: Uncertain significance for Charcot-Marie-Tooth disease type 2. Last evaluated: 2025-07-29. Review status: criteria provided, single submitter. Criteria: Invitae Variant Classification Sherloc (09022015). Collection method: clinical testing. Allele origin: germline.
Comment: This sequence change replaces alanine, which is neutral and non-polar, with serine, which is neutral and polar, at codon 1283 of the KIF1B protein (p.Ala1283Ser). This variant is present in population databases (rs374256520, gnomAD 0.002%). This variant has not been reported in the literature in individuals affected with KIF1B-related conditions. ClinVar contains an entry for this variant (Variation ID: 1735476). An algorithm developed to predict the effect of missense changes on protein structure and function (PolyPhen-2) suggests that this variant is likely to be disruptive. In summary, the available evidence is currently insufficient to determine the role of this variant in disease. Therefore, it has been classified as a Variant of Uncertain Significance.

St. Jude Molecular Pathology, St. Jude Children's Research Hospital
Classification: Uncertain significance for Pheochromocytoma. Last evaluated: 2024-08-12. Review status: criteria provided, single submitter. Criteria: St. Jude Assertion Criteria 2020. Collection method: clinical testing. Allele origin: germline.
Comment: The KIF1B c.3847G>T (p.Ala1283Ser) missense change has maximum subpopulation frequency of 0.002% in gnomAD v2.1.1. The in silico tool REVEL is inconclusive about a pathogenic or benign effect of this variant on protein function, and to our knowledge functional studies have not been performed. To our knowledge, this variant has not been reported in individuals with pheochromocytoma or neuroblastoma. In summary, the evidence currently available is insufficient to determine the clinical significance of this variant. It has therefore been classified as of uncertain significance.

Ambry Genetics
Classification: Uncertain significance. Last evaluated: 2022-09-24. Review status: criteria provided, single submitter. Criteria: Ambry Variant Classification Scheme 2023. Collection method: clinical testing. Allele origin: germline.
Comment: The p.A1283S variant (also known as c.3847G>T), located in coding exon 35 of the KIF1B gene, results from a G to T substitution at nucleotide position 3847. The alanine at codon 1283 is replaced by serine, an amino acid with similar properties. This amino acid position is highly conserved in available vertebrate species. In addition, the in silico prediction for this alteration is inconclusive. Since supporting evidence is limited at this time, the clinical significance of this alteration remains unclear.

NM_001365951.3(KIF1B):c.3985G>T (p.Ala1329Ser)

Gene: KIF1B (kinesin family member 1B; plus strand). Cytogenetic location: 1p36.22.
Variant type: single nucleotide variant.
Coding change: c.3985G>T on transcript NM_001365951.3 (MANE Select); coding-DNA position 3985, G replaced by T.
Protein change: p.Ala1329Ser; replaces alanine 1329 with serine.
Molecular consequence: missense variant.
Genome position (GRCh38, 1-based): chr1:10,352,666, G>T. VCF-style: chr1-10352666-G-T. GRCh37 (hg19) VCF-style: chr1-10412724-G-T.
Other names: c.3985G>T, p.Ala1329Ser (NM_001365952.1); c.3847G>T, p.Ala1283Ser (NM_015074.3); short protein forms A1329S, A1283S.
Identifiers: ClinVar variation 1735476 (VCV001735476.4), dbSNP rs374256520, ClinGen allele CA17847826.
Genomic context (GRCh38, chr1:10,352,666, plus strand): 5'-CTGTTTTTTTTATCCTTTCTTTTAGGTCGTATTCGGAATAAGCCTGAGGTGGATGAAGCT[G>T]CAGTTGATGCCATCCTCTCCCTAAATATTATTTCTGCCAAGTACCTGAAGTCTTCCCACA-3'
Protein context (NP_001352880.1, residues 1319-1339): IRNKPEVDEA[Ala1329Ser]VDAILSLNII